The following is an entry in ClinVar:

ClinVar aggregate classification (germline): Uncertain significance (1 of 4 stars; one submission).

Submission:

GeneDx
Classification: Uncertain significance. Last evaluated: 2024-11-26. Review status: criteria provided, single submitter. Criteria: GeneDx Variant Classification Process June 2021. Collection method: clinical testing. Allele origin: germline. Affected: yes.
Comment: Not observed at significant frequency in large population cohorts (gnomAD); In silico analysis indicates that this missense variant does not alter protein structure/function; Has not been previously published as pathogenic or benign to our knowledge.

NM_003403.5(YY1):c.521A>C (p.Lys174Thr)

Genes: YY1 (YY1 transcription factor; plus strand), LOC130056453 (ATAC-STARR-seq lymphoblastoid silent region 6082; plus strand). Cytogenetic location: 14q32.2.
Variant type: single nucleotide variant.
Coding change: c.521A>C on transcript NM_003403.5 (MANE Select); coding-DNA position 521, A replaced by C.
Protein change: p.Lys174Thr; replaces lysine 174 with threonine.
Molecular consequence: missense variant.
Genome position (GRCh38, 1-based): chr14:100,239,765, A>C. VCF-style: chr14-100239765-A-C. GRCh37 (hg19) VCF-style: chr14-100706102-A-C.
Other names: short protein forms K174T.
Identifiers: ClinVar variation 3901683 (VCV003901683.1).
Genomic context (GRCh38, chr14:100,239,765, plus strand): 5'-CGGCGGCCGGCAAGAGCGGCGGCGGCGGCTCGTCGTCGTCGGGAGGCGGCCGCGTCAAGA[A>C]GGGCGGCGGCAAGAAGAGCGGCAAGAAGAGTTACCTCAGCGGCGGGGCCGGCGCGGCGGG-3'
Protein context (NP_003394.1, residues 164-184): SSSSGGGRVK[Lys174Thr]GGGKKSGKKS